The following is an entry in ClinVar:

ClinVar aggregate classification (germline): Uncertain significance. Review status: criteria provided, multiple submitters, no conflicts (2 of 4 stars). 4 submissions from 4 submitters: Uncertain significance (4). Last evaluated 2025-11-11.

Conditions:
LRBA-related disorder. Also called: LRBA-related condition.
Inborn genetic diseases. Identifiers: MedGen C0950123, MeSH D030342.
Combined immunodeficiency due to LRBA deficiency. Also called: Common variable immunodeficiency 8, with autoimmunity. Identifiers: Orphanet 445018, MedGen C3553512, MONDO:0013863, OMIM 614700.

Allele frequency attached by ClinVar (database versions not stated): gnomAD exomes 0.00009 and 0.00015; gnomAD 0.00011 and 0.00012; TOPMed 0.00015; ExAC 0.00020; ESP Exome Variant Server 0.00031.
gnomAD v4.1: 139 of 1,610,748 alleles (0.0086%); highest among the groups gnomAD compares: Admixed American, 0.018%; no homozygotes.

Submissions (4):

PreventionGenetics, part of Exact Sciences
Classification: Uncertain significance for LRBA-related condition. Last evaluated: 2025-11-11. Review status: criteria provided, single submitter. Criteria: ACMG Guidelines, 2015. Collection method: clinical testing. Allele origin: germline.
Comment: The LRBA c.7873A>G variant is predicted to result in the amino acid substitution p.Thr2625Ala. To our knowledge, this variant has not been reported in the literature. This variant is reported in 0.025% of alleles in individuals of European (Non-Finnish) descent in gnomAD. At this time, the clinical significance of this variant is uncertain due to the absence of conclusive functional and genetic evidence.

CeGaT Center for Human Genetics Tuebingen
Classification: Uncertain significance. Last evaluated: 2024-12-01. Review status: criteria provided, single submitter. Criteria: CeGaT Center For Human Genetics Tuebingen Variant Classification Criteria Version 2. Collection method: clinical testing. Allele origin: germline. Affected: yes. Observed: 1 variant allele.
Comment: LRBA: PM2

Ambry Genetics
Classification: Uncertain significance for Inborn genetic diseases. Last evaluated: 2024-06-10. Review status: criteria provided, single submitter. Criteria: Ambry Variant Classification Scheme 2023. Collection method: clinical testing. Allele origin: germline.

Labcorp Genetics (formerly Invitae), Labcorp
Classification: Uncertain significance for Combined immunodeficiency due to LRBA deficiency. Last evaluated: 2022-09-19. Review status: criteria provided, single submitter. Criteria: Invitae Variant Classification Sherloc (09022015). Collection method: clinical testing. Allele origin: germline.
Comment: This sequence change replaces threonine, which is neutral and polar, with alanine, which is neutral and non-polar, at codon 2625 of the LRBA protein (p.Thr2625Ala). This variant is present in population databases (rs148991943, gnomAD 0.02%). This variant has not been reported in the literature in individuals affected with LRBA-related conditions. ClinVar contains an entry for this variant (Variation ID: 540384). Advanced modeling of protein sequence and biophysical properties (such as structural, functional, and spatial information, amino acid conservation, physicochemical variation, residue mobility, and thermodynamic stability) performed at Invitae indicates that this missense variant is expected to disrupt LRBA protein function. In summary, the available evidence is currently insufficient to determine the role of this variant in disease. Therefore, it has been classified as a Variant of Uncertain Significance.

NM_001364905.1(LRBA):c.7840A>G (p.Thr2614Ala)

Gene: LRBA (LPS responsive beige-like anchor protein; minus strand). Cytogenetic location: 4q31.3.
Variant type: single nucleotide variant.
Coding change: c.7840A>G on transcript NM_001364905.1 (MANE Select); coding-DNA position 7840, A replaced by G.
Protein change: p.Thr2614Ala; replaces threonine 2614 with alanine.
Molecular consequence: missense variant.
Genome position (GRCh38, 1-based): chr4:150,310,238, T>C on the plus strand (A>G on the coding strand, the complement: LRBA is on the minus strand). VCF-style: chr4-150310238-T-C. GRCh37 (hg19) VCF-style: chr4-151231390-T-C.
Other names: c.7840A>G, p.Thr2614Ala (NM_001199282.3); c.7855A>G, p.Thr2619Ala (NM_001367550.1); c.7873A>G, p.Thr2625Ala (NM_006726.5); short protein forms T2625A, T2614A, T2619A.
Identifiers: ClinVar variation 540384 (VCV000540384.21), dbSNP rs148991943, ClinGen allele CA3101517.
Genomic context (GRCh38, chr4:150,310,238, plus strand): 5'-AATACTACTTATAGTAAACTTTAGTTCACTGATAAAGAAAATGAAAATTACCTGTGTCTG[T>C]AGAATAGACTCTGAAACTTTTATCCCAGAAGCCACAGACGAGAATATAGCGGTTGTCTGA-3'
Protein context (NP_001351834.1, residues 2604-2624): FWDKSFRVYS[Thr2614Ala]DTGRLIQVVF